The following is an entry in ClinVar:

NM_005142.3(CBLIF):c.659T>C (p.Ile220Thr)

Gene: CBLIF (cobalamin binding intrinsic factor; minus strand). Cytogenetic location: 11q12.1.
Variant type: single nucleotide variant.
Coding change: c.659T>C on transcript NM_005142.3 (MANE Select); coding-DNA position 659, T replaced by C.
Protein change: p.Ile220Thr; replaces isoleucine 220 with threonine.
Molecular consequence: missense variant.
Genome position (GRCh38, 1-based): chr11:59,841,177, A>G on the plus strand (T>C on the coding strand, the complement: CBLIF is on the minus strand). VCF-style: chr11-59841177-A-G. GRCh37 (hg19) VCF-style: chr11-59608650-A-G.
Other names: short protein forms I220T.
Identifiers: ClinVar variation 3721037 (VCV003721037.2).
Genomic context (GRCh38, chr11:59,841,177, plus strand): 5'-ACCAAGAGCATCCAGCACGTGTTTACCTGCATGGCGAGGCCAGTACTGTAGATGTCTCCA[A>G]TGATGCCATTATCTTTGATCTTCATGCTGATTTTCTCCACAATATCCTTTAGTACCTGAC-3'
Protein context (NP_005133.2, residues 210-230): ISMKIKDNGI[Ile220Thr]GDIYSTGLAM

ClinVar aggregate classification (germline): Pathogenic (1 of 4 stars; one submission).

Conditions:
Hereditary intrinsic factor deficiency (IFD). Also called: Congenital intrinsic factor deficiency; PERNICIOUS ANEMIA, CONGENITAL, DUE TO DEFECT OF INTRINSIC FACTOR. Identifiers: Orphanet 332, MedGen C2062370, MONDO:0009852, OMIM 261000.

gnomAD v4.1: 13 of 1,613,760 alleles (0.00081%); highest among the groups gnomAD compares: Admixed American, 0.0033%; no homozygotes.

Submission:

Labcorp Genetics (formerly Invitae), Labcorp
Classification: Pathogenic for Hereditary intrinsic factor deficiency. Last evaluated: 2025-07-14. Review status: criteria provided, single submitter. Criteria: Invitae Variant Classification Sherloc (09022015). Collection method: clinical testing. Allele origin: germline.
Comment: This sequence change replaces isoleucine, which is neutral and non-polar, with threonine, which is neutral and polar, at codon 220 of the GIF protein (p.Ile220Thr). This variant is present in population databases (rs779633204, gnomAD 0.004%). This missense change has been observed in individual(s) with intrinsic factor deficiency (PMID: 18620679, 19036097, 22929189). In at least one individual the data is consistent with being in trans (on the opposite chromosome) from a pathogenic variant. ClinVar contains an entry for this variant (Variation ID: 3721037). Invitae Evidence Modeling of protein sequence and biophysical properties (such as structural, functional, and spatial information, amino acid conservation, physicochemical variation, residue mobility, and thermodynamic stability) indicates that this missense variant is expected to disrupt GIF protein function with a positive predictive value of 80%. For these reasons, this variant has been classified as Pathogenic.

Literature cited by the submitters: PubMed 18620679; PubMed 19036097; PubMed 22929189.